The following is an entry in ClinVar:

NM_006206.6(PDGFRA):c.2902G>C (p.Asp968His)

Gene: PDGFRA (platelet derived growth factor receptor alpha; plus strand). Cytogenetic location: 4q12.
Variant type: single nucleotide variant.
Coding change: c.2902G>C on transcript NM_006206.6 (MANE Select); coding-DNA position 2902, G replaced by C.
Protein change: p.Asp968His; replaces aspartic acid 968 with histidine.
Molecular consequence: missense variant.
Genome position (GRCh38, 1-based): chr4:54,290,334, G>C. VCF-style: chr4-54290334-G-C. GRCh37 (hg19) VCF-style: chr4-55156501-G-C.
Other names: c.2977G>C, p.Asp993His (NM_001347828.2); c.2902G>C, p.Asp968His (NM_001347829.2); c.2941G>C, p.Asp981His (NM_001347830.2); short protein forms D968H, D993H, D981H.
Identifiers: ClinVar variation 946136 (VCV000946136.11), dbSNP rs1724560647, ClinGen allele CA356895952.

ClinVar aggregate classification (germline): Uncertain significance. Review status: criteria provided, multiple submitters, no conflicts (2 of 4 stars). 2 submissions from 2 submitters: Uncertain significance (2). Last evaluated 2025-04-04.

Conditions:
Hereditary cancer-predisposing syndrome. Also called: Hereditary neoplastic syndrome; Neoplastic Syndromes, Hereditary; Hereditary Cancer Syndrome; Tumor predisposition. Identifiers: Orphanet 140162, MedGen C0027672, MeSH D009386, MONDO:0015356.
Gastrointestinal stromal tumor. Also called: Gastrointestinal stromal tumor, somatic; Gastrointestinal stroma tumor. Identifiers: Orphanet 44890, MedGen C0238198, MeSH D046152, MONDO:0011719, OMIM 606764, HP:0100723.

gnomAD v4.1: 1 of 1,612,258 alleles (0.000062%); highest among the groups gnomAD compares: Non-Finnish European, 0.000085%; no homozygotes.

Submissions (2):

Ambry Genetics
Classification: Uncertain significance for Hereditary cancer-predisposing syndrome. Last evaluated: 2025-04-04. Review status: criteria provided, single submitter. Criteria: Ambry Variant Classification Scheme 2023. Collection method: clinical testing. Allele origin: germline.
Comment: The p.D968H variant (also known as c.2902G>C), located in coding exon 21 of the PDGFRA gene, results from a G to C substitution at nucleotide position 2902. The aspartic acid at codon 968 is replaced by histidine, an amino acid with similar properties. This amino acid position is conserved. In addition, this alteration is predicted to be tolerated by in silico analysis. Based on the available evidence, the clinical significance of this variant remains unclear.

Labcorp Genetics (formerly Invitae), Labcorp
Classification: Uncertain significance for Gastrointestinal stromal tumor. Last evaluated: 2020-12-29. Review status: criteria provided, single submitter. Criteria: Invitae Variant Classification Sherloc (09022015). Collection method: clinical testing. Allele origin: germline.
Comment: In summary, the available evidence is currently insufficient to determine the role of this variant in disease. Therefore, it has been classified as a Variant of Uncertain Significance. Algorithms developed to predict the effect of missense changes on protein structure and function are either unavailable or do not agree on the potential impact of this missense change (SIFT: "Deleterious"; PolyPhen-2: "Probably Damaging"; Align-GVGD: "Class C0"). This variant has not been reported in the literature in individuals with PDGFRA-related conditions. This variant is not present in population databases (ExAC no frequency). This sequence change replaces aspartic acid with histidine at codon 968 of the PDGFRA protein (p.Asp968His). The aspartic acid residue is moderately conserved and there is a moderate physicochemical difference between aspartic acid and histidine.